The following is an entry in ClinVar:

NM_003036.4(SKI):c.1162G>A (p.Ala388Thr)

Gene: SKI (SKI proto-oncogene; plus strand). Cytogenetic location: 1p36.32.
Variant type: single nucleotide variant.
Coding change: c.1162G>A on transcript NM_003036.4 (MANE Select); coding-DNA position 1162, G replaced by A.
Protein change: p.Ala388Thr; replaces alanine 388 with threonine.
Molecular consequence: missense variant.
Genome position (GRCh38, 1-based): chr1:2,303,351, G>A. VCF-style: chr1-2303351-G-A. GRCh37 (hg19) VCF-style: chr1-2234790-G-A.
Other names: p.A388T:GCG>ACG; short protein forms A388T.
Identifiers: ClinVar variation 213667 (VCV000213667.52), dbSNP rs376736872, ClinGen allele CA321796.

ClinVar aggregate classification (germline): Conflicting classifications of pathogenicity. Review status: criteria provided, conflicting classifications (1 of 4 stars). 4 submissions from 4 submitters: Uncertain significance (2); Likely benign (2). Last evaluated 2025-05-13.

Conditions:
Familial thoracic aortic aneurysm and aortic dissection (TAAD). Also called: Thoracic aortic aneurysms and dissections. Identifiers: Orphanet 91387, MedGen C4707243, MONDO:0019625.
Shprintzen-Goldberg syndrome (SGS). Also called: SHPRINTZEN-GOLDBERG CRANIOSYNOSTOSIS SYNDROME; CRANIOSYNOSTOSIS WITH ARACHNODACTYLY AND ABDOMINAL HERNIAS; Marfanoid disorder with craniosynostosis type 1; Marfanoid craniosynostosis syndrome; Shprintzen-Goldberg marfanoid syndrome. Identifiers: Orphanet 2462, MedGen C1321551, MONDO:0008426, OMIM 182212.

Allele frequency attached by ClinVar (database versions not stated): ExAC 0.00002; gnomAD exomes 0.00002; TOPMed 0.00003; gnomAD 0.00006; ESP Exome Variant Server 0.00008.
gnomAD v4.1: 47 of 1,613,694 alleles (0.0029%); highest among the groups gnomAD compares: Non-Finnish European, 0.0037%; no homozygotes.

Submissions (4):

Labcorp Genetics (formerly Invitae), Labcorp
Classification: Likely benign for Shprintzen-Goldberg syndrome. Last evaluated: 2025-05-13. Review status: criteria provided, single submitter. Criteria: Invitae Variant Classification Sherloc (09022015). Collection method: clinical testing. Allele origin: germline.

Ambry Genetics
Classification: Likely benign for Familial thoracic aortic aneurysm and aortic dissection. Last evaluated: 2024-11-09. Review status: criteria provided, single submitter. Criteria: Ambry Variant Classification Scheme 2023. Collection method: clinical testing. Allele origin: germline.

GeneDx
Classification: Uncertain significance. Last evaluated: 2024-03-20. Review status: criteria provided, single submitter. Criteria: GeneDx Variant Classification Process June 2021. Collection method: clinical testing. Allele origin: germline. Affected: yes.
Comment: Has not been previously published as pathogenic or benign to our knowledge; In silico analysis, which includes protein predictors and evolutionary conservation, supports that this variant does not alter protein structure/function; This variant is associated with the following publications: (PMID: 27535533, 26582918)

CeGaT Center for Human Genetics Tuebingen
Classification: Uncertain significance. Last evaluated: 2018-02-01. Review status: criteria provided, single submitter. Criteria: CeGaT Center For Human Genetics Tuebingen Variant Classification Criteria Version 2. Collection method: clinical testing. Allele origin: germline. Affected: yes. Observed: 1 variant allele.